The following is an entry in ClinVar:

NM_001289125.3(IFNAR2):c.122T>C (p.Phe41Ser)

Genes: IFNAR2 (interferon alpha and beta receptor subunit 2; plus strand), IFNAR2-IL10RB (IFNAR2-IL10RB readthrough; plus strand). Cytogenetic location: 21q22.11.
Variant type: single nucleotide variant.
Coding change: c.122T>C on transcript NM_001289125.3 (MANE Select); coding-DNA position 122, T replaced by C.
Protein change: p.Phe41Ser; replaces phenylalanine 41 with serine.
Molecular consequence: missense variant.
Genome position (GRCh38, 1-based): chr21:33,244,975, T>C. VCF-style: chr21-33244975-T-C. GRCh37 (hg19) VCF-style: chr21-34617280-T-C.
Other names: c.122T>C, p.Phe41Ser (NM_001414505.1, NM_000874.5, NM_001289126.2 and 5 more transcripts); short protein forms F41S.
Identifiers: ClinVar variation 1913560 (VCV001913560.6), dbSNP rs149204840, ClinGen allele CA10005563.

ClinVar aggregate classification (germline): Uncertain significance. Review status: criteria provided, multiple submitters, no conflicts (2 of 4 stars). 2 submissions from 2 submitters: Uncertain significance (2). Last evaluated 2024-03-07.

Allele frequency attached by ClinVar (database versions not stated): gnomAD 0.00003; TOPMed 0.00005; ExAC 0.00009; 1000 Genomes Project 30x 0.00016; 1000 Genomes Project 0.00020.
gnomAD v4.1: 29 of 1,612,802 alleles (0.0018%); highest among the groups gnomAD compares: East Asian, 0.062%; no homozygotes.

Submissions (2):

Ambry Genetics
Classification: Uncertain significance. Last evaluated: 2024-03-07. Review status: criteria provided, single submitter. Criteria: Ambry Variant Classification Scheme 2023. Collection method: clinical testing. Allele origin: germline.

Labcorp Genetics (formerly Invitae), Labcorp
Classification: Uncertain significance. Last evaluated: 2024-02-24. Review status: criteria provided, single submitter. Criteria: Invitae Variant Classification Sherloc (09022015). Collection method: clinical testing. Allele origin: germline.
Comment: This sequence change replaces phenylalanine, which is neutral and non-polar, with serine, which is neutral and polar, at codon 41 of the IFNAR2 protein (p.Phe41Ser). This variant is present in population databases (rs149204840, gnomAD 0.1%). This variant has not been reported in the literature in individuals affected with IFNAR2-related conditions. ClinVar contains an entry for this variant (Variation ID: 1913560). An algorithm developed to predict the effect of missense changes on protein structure and function (PolyPhen-2) suggests that this variant is likely to be tolerated. In summary, the available evidence is currently insufficient to determine the role of this variant in disease. Therefore, it has been classified as a Variant of Uncertain Significance.